The following is an entry in ClinVar:

ClinVar aggregate classification (germline): Uncertain significance (1 of 4 stars; one submission).

Conditions:
Immunodeficiency. Identifiers: MedGen C0021051, MONDO:0021094, HP:0002721.

gnomAD v4.1: 1 of 1,614,130 alleles (0.000062%); highest among the groups gnomAD compares: Non-Finnish European, 0.000085%; no homozygotes.

Submission:

Labcorp Genetics (formerly Invitae), Labcorp
Classification: Uncertain significance for Immunodeficiency. Last evaluated: 2025-10-05. Review status: criteria provided, single submitter. Criteria: Invitae Variant Classification Sherloc (09022015). Collection method: clinical testing. Allele origin: germline.
Comment: This sequence change replaces glutamine, which is neutral and polar, with histidine, which is basic and polar, at codon 1342 of the NFAT5 protein (p.Gln1342His). This variant is not present in population databases (gnomAD no frequency). This variant has not been reported in the literature in individuals affected with NFAT5-related conditions. An algorithm developed to predict the effect of missense changes on protein structure and function (PolyPhen-2) suggests that this variant is likely to be disruptive. In summary, the available evidence is currently insufficient to determine the role of this variant in disease. Therefore, it has been classified as a Variant of Uncertain Significance.

NM_138713.4(NFAT5):c.4308G>C (p.Gln1436His)

Gene: NFAT5 (nuclear factor of activated T cells 5; plus strand). Cytogenetic location: 16q22.1.
Variant type: single nucleotide variant.
Coding change: c.4308G>C on transcript NM_138713.4 (MANE Select); coding-DNA position 4308, G replaced by C.
Protein change: p.Gln1436His; replaces glutamine 1436 with histidine.
Molecular consequence: missense variant.
Genome position (GRCh38, 1-based): chr16:69,694,133, G>C. VCF-style: chr16-69694133-G-C. GRCh37 (hg19) VCF-style: chr16-69728036-G-C.
Other names: c.4305G>C, p.Gln1435His (NM_001113178.3); c.3633G>C, p.Gln1211His (NM_001367709.1); c.4254G>C, p.Gln1418His (NM_006599.4); c.4026G>C, p.Gln1342His (NM_138714.4, NM_173214.3, NM_173215.3); short protein forms Q1211H, Q1342H, Q1435H, Q1418H, Q1436H.
Identifiers: ClinVar variation 4728510 (VCV004728510.1).